The following is an entry in ClinVar:

ClinVar aggregate classification (germline): Uncertain significance (1 of 4 stars; one submission).

Conditions:
Inborn genetic diseases. Identifiers: MedGen C0950123, MeSH D030342.

Submission:

Ambry Genetics
Classification: Uncertain significance for Inborn genetic diseases. Last evaluated: 2025-07-03. Review status: criteria provided, single submitter. Criteria: Ambry Variant Classification Scheme 2023. Collection method: clinical testing. Allele origin: germline.
Comment: The c.1400-5C>A intronic variant results from a C to A substitution 5 nucleotides upstream from coding exon 14 in the DDX41 gene. This nucleotide position is not well conserved in available vertebrate species. In silico splice site analysis predicts that this alteration may result in the creation or strengthening of a novel splice acceptor site. Based on the available evidence, the clinical significance of this variant remains unclear.

NM_016222.4(DDX41):c.1400-5C>A

Gene: DDX41 (DEAD-box helicase 41; minus strand). Cytogenetic location: 5q35.3.
Variant type: single nucleotide variant.
Coding change: c.1400-5C>A on transcript NM_016222.4 (MANE Select); 5 bases into the intron before coding-DNA position 1400, C replaced by A.
Molecular consequence: intron variant.
Genome position (GRCh38, 1-based): chr5:177,512,650, G>T on the plus strand (C>A on the coding strand, the complement: DDX41 is on the minus strand). VCF-style: chr5-177512650-G-T. GRCh37 (hg19) VCF-style: chr5-176939651-G-T.
Other names: c.1022-5C>A (NM_001321830.2, NM_001321732.2).
Identifiers: ClinVar variation 4238735 (VCV004238735.1).